The following is an entry in ClinVar:

ClinVar aggregate classification (germline): Uncertain significance (1 of 4 stars; one submission).

Submission:

Labcorp Genetics (formerly Invitae), Labcorp
Classification: Uncertain significance. Last evaluated: 2021-08-28. Review status: criteria provided, single submitter. Criteria: Invitae Variant Classification Sherloc (09022015). Collection method: clinical testing. Allele origin: germline.
Comment: This variant, c.5938_5940del, results in the deletion of 1 amino acid(s) of the PCLO protein (p.Glu1980del), but otherwise preserves the integrity of the reading frame. This variant is present in population databases (rs773440652, ExAC 0.006%). This variant has not been reported in the literature in individuals affected with PCLO-related conditions. Experimental studies and prediction algorithms are not available or were not evaluated, and the functional significance of this variant is currently unknown. In summary, the available evidence is currently insufficient to determine the role of this variant in disease. Therefore, it has been classified as a Variant of Uncertain Significance.

NM_033026.6(PCLO):c.5932GAA[2] (p.Glu1980del)

Gene: PCLO (piccolo presynaptic cytomatrix protein; minus strand). Cytogenetic location: 7q21.11.
Variant type: Microsatellite.
Coding change: c.5932GAA[2] on transcript NM_033026.6 (MANE Select); two copies in a row of the 3-base unit GAA starting at c.5932; the reference has three copies in a row; one copy, 3 bases deleted.
Protein change: p.Glu1980del; deletes glutamic acid 1980.
Molecular consequence: inframe deletion.
Genome position (GRCh38, 1-based): chr7:82,955,013-82,955,015, TTC deleted on the plus strand (GAA on the coding strand, the reverse complement: PCLO is on the minus strand); deleting any 3 consecutive bases within chr7:82,955,013-82,955,023 gives the same sequence; the position shown is the placement nearest the transcript's 3' end. VCF-style (leftmost placement, unchanged base first): chr7-82955012-TTTC-T. GRCh37 (hg19) VCF-style: chr7-82584328-TTTC-T.
Other names: c.5932GAA[2], p.Glu1980del (NM_014510.3); short protein forms E1980del.
Identifiers: ClinVar variation 1430242 (VCV001430242.5), dbSNP rs773440652, ClinGen allele CA4320559.